The following is an entry in ClinVar:

NM_001378778.1(MPDZ):c.4415C>G (p.Ala1472Gly)

Gene: MPDZ (multiple PDZ domain crumbs cell polarity complex component; minus strand). Cytogenetic location: 9p23.
Variant type: single nucleotide variant.
Coding change: c.4415C>G on transcript NM_001378778.1 (MANE Select); coding-DNA position 4415, C replaced by G.
Protein change: p.Ala1472Gly; replaces alanine 1472 with glycine.
Molecular consequence: missense variant.
Genome position (GRCh38, 1-based): chr9:13,133,873, G>C on the plus strand (C>G on the coding strand, the complement: MPDZ is on the minus strand). VCF-style: chr9-13133873-G-C. GRCh37 (hg19) VCF-style: chr9-13133872-G-C.
Other names: c.4316C>G, p.Ala1439Gly (NM_001261406.2, NM_001261407.2, NM_001375416.1 and 3 more transcripts); c.4415C>G, p.Ala1472Gly (NM_001330637.2, NM_003829.5); c.4514C>G, p.Ala1505Gly (NM_001375413.1); c.4205C>G, p.Ala1402Gly (NM_001375420.1, NM_001375421.1, NM_001375422.1 and 4 more transcripts); c.4007C>G, p.Ala1336Gly (NM_001375427.1); short protein forms A1472G, A1439G, A1336G, A1402G, A1505G.
Identifiers: ClinVar variation 1398941 (VCV001398941.6), dbSNP rs2132138046, ClinGen allele CA372948529.
Genomic context (GRCh38, chr9:13,133,873, plus strand): 5'-AGCAGATTTACCTTGGGAAGCTCCAGATGTTGCACATTTTTAAATGAACTGAGGTCCACA[G>C]CTGCATCAGAAGTAGTAACAGTTGGCTCTGTCTGACAGAGGGAAAGAAATGACAAAAAGA-3'
Protein context (NP_001365707.1, residues 1462-1482): TEPTVTTSDA[Ala1472Gly]VDLSSFKNVQ

ClinVar aggregate classification (germline): Uncertain significance (1 of 4 stars; one submission).

Submission:

Labcorp Genetics (formerly Invitae), Labcorp
Classification: Uncertain significance. Last evaluated: 2021-10-11. Review status: criteria provided, single submitter. Criteria: Invitae Variant Classification Sherloc (09022015). Collection method: clinical testing. Allele origin: germline.
Comment: Algorithms developed to predict the effect of sequence changes on RNA splicing suggest that this variant may create or strengthen a splice site. In summary, the available evidence is currently insufficient to determine the role of this variant in disease. Therefore, it has been classified as a Variant of Uncertain Significance. Algorithms developed to predict the effect of missense changes on protein structure and function are either unavailable or do not agree on the potential impact of this missense change (SIFT: "Deleterious"; PolyPhen-2: "Benign"; Align-GVGD: "Class C0"). This variant has not been reported in the literature in individuals affected with MPDZ-related conditions. This variant is not present in population databases (ExAC no frequency). This sequence change replaces alanine with glycine at codon 1472 of the MPDZ protein (p.Ala1472Gly). The alanine residue is highly conserved and there is a small physicochemical difference between alanine and glycine.